The following is an entry in ClinVar:

NM_001853.4(COL9A3):c.1216G>T (p.Gly406Cys)

Gene: COL9A3 (collagen type IX alpha 3 chain; plus strand). Cytogenetic location: 20q13.33.
Variant type: single nucleotide variant.
Coding change: c.1216G>T on transcript NM_001853.4 (MANE Select); coding-DNA position 1216, G replaced by T.
Protein change: p.Gly406Cys; replaces glycine 406 with cysteine.
Molecular consequence: missense variant.
Genome position (GRCh38, 1-based): chr20:62,830,517, G>T. VCF-style: chr20-62830517-G-T. GRCh37 (hg19) VCF-style: chr20-61461869-G-T.
Other names: short protein forms G406C.
Identifiers: ClinVar variation 4714262 (VCV004714262.1).
Genomic context (GRCh38, chr20:62,830,517, plus strand): 5'-CCCAGACGGGCCAGACCCGACAGGGTATGGGCACTGACGAGCCAGGACCTCCTTCCCCAG[G>T]GCCAGAAGGGCAGCATGGGAGACCCCGGCCTTCCAGGCCCCCAGGGCCTCCGAGGTGACG-3'
Protein context (NP_001844.3, residues 396-416): PGAPGVRGFQ[Gly406Cys]QKGSMGDPGL

ClinVar aggregate classification (germline): Uncertain significance (1 of 4 stars; one submission).

Submission:

Labcorp Genetics (formerly Invitae), Labcorp
Classification: Uncertain significance. Last evaluated: 2025-03-04. Review status: criteria provided, single submitter. Criteria: Invitae Variant Classification Sherloc (09022015). Collection method: clinical testing. Allele origin: germline.
Comment: This sequence change replaces glycine, which is neutral and non-polar, with cysteine, which is neutral and slightly polar, at codon 406 of the COL9A3 protein (p.Gly406Cys). This variant is not present in population databases (gnomAD no frequency). This variant has not been reported in the literature in individuals affected with COL9A3-related conditions. An algorithm developed to predict the effect of missense changes on protein structure and function (PolyPhen-2) suggests that this variant is likely to be disruptive. In summary, the available evidence is currently insufficient to determine the role of this variant in disease. Therefore, it has been classified as a Variant of Uncertain Significance.